The following is an entry in ClinVar:

NM_000091.5(COL4A3):c.803G>A (p.Gly268Asp)

Genes: COL4A3 (collagen type IV alpha 3 chain; plus strand), MFF-DT (MFF divergent transcript; minus strand). Cytogenetic location: 2q36.3.
Variant type: single nucleotide variant.
Coding change: c.803G>A on transcript NM_000091.5 (MANE Select); coding-DNA position 803, G replaced by A.
Protein change: p.Gly268Asp; replaces glycine 268 with aspartic acid.
Molecular consequence: missense variant.
Genome position (GRCh38, 1-based): chr2:227,254,149, G>A. VCF-style: chr2-227254149-G-A. GRCh37 (hg19) VCF-style: chr2-228118865-G-A.
Other names: short protein forms G268D.
Identifiers: ClinVar variation 1404943 (VCV001404943.8), dbSNP rs1448108531, ClinGen allele CA350865931.

ClinVar aggregate classification (germline): Uncertain significance (1 of 4 stars; one submission).

Allele frequency attached by ClinVar (database versions not stated): TOPMed below 0.00001; gnomAD 0.00001.
gnomAD v4.1: 1 of 1,613,876 alleles (0.000062%); highest among the groups gnomAD compares: Non-Finnish European, 0.000085%; no homozygotes.

Submission:

Labcorp Genetics (formerly Invitae), Labcorp
Classification: Uncertain significance. Last evaluated: 2023-11-27. Review status: criteria provided, single submitter. Criteria: Invitae Variant Classification Sherloc (09022015). Collection method: clinical testing. Allele origin: germline.
Comment: This sequence change replaces glycine, which is neutral and non-polar, with aspartic acid, which is acidic and polar, at codon 268 of the COL4A3 protein (p.Gly268Asp). This variant is not present in population databases (gnomAD no frequency). This variant has not been reported in the literature in individuals affected with COL4A3-related conditions. ClinVar contains an entry for this variant (Variation ID: 1404943). Advanced modeling of protein sequence and biophysical properties (such as structural, functional, and spatial information, amino acid conservation, physicochemical variation, residue mobility, and thermodynamic stability) has been performed at Invitae for this missense variant, however the output from this modeling did not meet the statistical confidence thresholds required to predict the impact of this variant on COL4A3 protein function. In summary, the available evidence is currently insufficient to determine the role of this variant in disease. Therefore, it has been classified as a Variant of Uncertain Significance.